The following is an entry in ClinVar:

ClinVar aggregate classification (germline): Uncertain significance (1 of 4 stars; one submission).

Conditions:
Developmental and epileptic encephalopathy, 9 (DEE9). Also called: Early infantile epileptic encephalopathy 9; EPILEPSY, FEMALE-RESTRICTED, WITH MENTAL RETARDATION; PCDH19-Related X-Linked Female-Limited Epilepsy with Mental Retardation; JUBERG-HELLMAN SYNDROME. Identifiers: Orphanet 101039, Orphanet 2076, MedGen C1848137, MONDO:0010246, OMIM 300088. Disease mechanism: loss of function.

Submission:

Labcorp Genetics (formerly Invitae), Labcorp
Classification: Uncertain significance for Developmental and epileptic encephalopathy, 9. Last evaluated: 2025-04-09. Review status: criteria provided, single submitter. Criteria: Invitae Variant Classification Sherloc (09022015). Collection method: clinical testing. Allele origin: germline.
Comment: This sequence change replaces alanine, which is neutral and non-polar, with threonine, which is neutral and polar, at codon 997 of the PCDH19 protein (p.Ala997Thr). This variant is not present in population databases (gnomAD no frequency). This variant has not been reported in the literature in individuals affected with PCDH19-related conditions. Invitae Evidence Modeling of protein sequence and biophysical properties (such as structural, functional, and spatial information, amino acid conservation, physicochemical variation, residue mobility, and thermodynamic stability) indicates that this missense variant is not expected to disrupt PCDH19 protein function with a negative predictive value of 95%. In summary, the available evidence is currently insufficient to determine the role of this variant in disease. Therefore, it has been classified as a Variant of Uncertain Significance.

NM_001184880.2(PCDH19):c.2989G>A (p.Ala997Thr)

Gene: PCDH19 (protocadherin 19; minus strand). Cytogenetic location: Xq22.1.
Variant type: single nucleotide variant.
Coding change: c.2989G>A on transcript NM_001184880.2 (MANE Select); coding-DNA position 2989, G replaced by A.
Protein change: p.Ala997Thr; replaces alanine 997 with threonine.
Molecular consequence: missense variant.
Genome position (GRCh38, 1-based): chrX:100,296,735, C>T on the plus strand (G>A on the coding strand, the complement: PCDH19 is on the minus strand). VCF-style: chrX-100296735-C-T. GRCh37 (hg19) VCF-style: chrX-99551733-C-T.
Other names: c.2848G>A, p.Ala950Thr (NM_001105243.2); c.2845G>A, p.Ala949Thr (NM_020766.3); short protein forms A950T, A997T, A949T.
Identifiers: ClinVar variation 4751983 (VCV004751983.1).
Genomic context (GRCh38, chrX:100,296,735, plus strand): 5'-TTGCGAAAGTCCGTTTGGTGGGGCCGCAGTCGTCATAAGCCTCGACATCAGCAGCAGTAG[C>T]TTCAATAGACAGCGCGATGATGTTCCTCACATGCTCAGGGGACTTGGAACGGATGGGCAT-3'
Protein context (NP_001171809.1, residues 987-1007): VRNIIALSIE[Ala997Thr]TAADVEAYDD